The following is an entry in ClinVar:

NM_005901.6(SMAD2):c.418C>T (p.His140Tyr)

Gene: SMAD2 (SMAD family member 2; minus strand). Cytogenetic location: 18q21.1.
Variant type: single nucleotide variant.
Coding change: c.418C>T on transcript NM_005901.6 (MANE Select); coding-DNA position 418, C replaced by T.
Protein change: p.His140Tyr; replaces histidine 140 with tyrosine.
Molecular consequence: missense variant.
Genome position (GRCh38, 1-based): chr18:47,869,345, G>A on the plus strand (C>T on the coding strand, the complement: SMAD2 is on the minus strand). VCF-style: chr18-47869345-G-A. GRCh37 (hg19) VCF-style: chr18-45395716-G-A.
Other names: c.418C>T, p.His140Tyr (NM_001003652.4); c.328C>T, p.His110Tyr (NM_001135937.3); short protein forms H110Y, H140Y.
Identifiers: ClinVar variation 3357851 (VCV003357851.1).

ClinVar aggregate classification (germline): Uncertain significance (0 of 4 stars; one submission).

Conditions:
SMAD2-related disorder. Also called: SMAD2-related condition; SMAD2-related disorders.

Submission:

PreventionGenetics, part of Exact Sciences
Classification: Uncertain significance for SMAD2-related condition. Last evaluated: 2024-07-28. Review status: no assertion criteria provided. Collection method: clinical testing. Allele origin: germline.
Comment: The SMAD2 c.418C>T variant is predicted to result in the amino acid substitution p.His140Tyr. To our knowledge, this variant has not been reported in the literature or in a large population database, indicating this variant is rare. At this time, the clinical significance of this variant is uncertain due to the absence of conclusive functional and genetic evidence.